The following is an entry in ClinVar:

NM_018319.4(TDP1):c.236G>C (p.Ser79Thr)

Genes: TDP1 (tyrosyl-DNA phosphodiesterase 1; plus strand), LOC126862019 (CDK7 strongly-dependent group 2 enhancer GRCh37_chr14:90429220-90430419; plus strand). Cytogenetic location: 14q32.11.
Variant type: single nucleotide variant.
Coding change: c.236G>C on transcript NM_018319.4 (MANE Select); coding-DNA position 236, G replaced by C.
Protein change: p.Ser79Thr; replaces serine 79 with threonine.
Molecular consequence: missense variant.
Genome position (GRCh38, 1-based): chr14:89,963,350, G>C. VCF-style: chr14-89963350-G-C. GRCh37 (hg19) VCF-style: chr14-90429694-G-C.
Other names: p.Ser79Thr; c.236G>C, p.Ser79Thr (NM_001008744.2, NM_001330205.2); short protein forms S79T.
Identifiers: ClinVar variation 805649 (VCV000805649.12), dbSNP rs148927677, ClinGen allele CA7303538.

ClinVar aggregate classification (germline): Uncertain significance. Review status: criteria provided, multiple submitters, no conflicts (2 of 4 stars). 4 submissions from 4 submitters: Uncertain significance (4). Last evaluated 2025-07-10.

Conditions:
Spinocerebellar ataxia, autosomal recessive, with axonal neuropathy 1 (SCAN1). Identifiers: Orphanet 94124, MedGen C4759870, MONDO:0011801, OMIM 607250.

Allele frequency attached by ClinVar (database versions not stated): ESP Exome Variant Server 0.00008; 1000 Genomes Project 0.00020; gnomAD exomes 0.00023 and 0.00031; ExAC 0.00027; 1000 Genomes Project 30x 0.00031; gnomAD 0.00017 and 0.00018; TOPMed 0.00017.
gnomAD v4.1: 473 of 1,614,188 alleles (0.029%); highest among the groups gnomAD compares: Non-Finnish European, 0.038%; no homozygotes.

Submissions (4):

Mayo Clinic Laboratories, Mayo Clinic
Classification: Uncertain significance. Last evaluated: 2025-07-10. Review status: criteria provided, single submitter. Criteria: ACMG Guidelines, 2015. Collection method: clinical testing. Allele origin: germline. Observed: 2 variant alleles.
Comment: BP4_strong

ARUP Laboratories, Molecular Genetics and Genomics, ARUP Laboratories
Classification: Uncertain significance for Spinocerebellar ataxia, autosomal recessive, with axonal neuropathy 1. Last evaluated: 2024-06-06. Review status: criteria provided, single submitter. Criteria: ARUP Molecular Germline Variant Investigation Process 2024. Collection method: clinical testing. Allele origin: germline.
Comment: The TDP1 c.236G>C; p.Ser79Thr variant (rs148927677), to our knowledge, is not reported in the medical literature but is reported in ClinVar (Variation ID: 805649). This variant is found in the non-Finnish European population with an allele frequency of 0.04% (57/129172 alleles) in the Genome Aggregation Database (v2.1.1). Computational analyses predict that this variant is neutral (REVEL: 0.011). However, given the lack of clinical and functional data, the significance of this variant is uncertain at this time.

Athena Diagnostics
Classification: Uncertain significance. Last evaluated: 2021-02-09. Review status: criteria provided, single submitter. Criteria: Athena Diagnostics criteria. Collection method: clinical testing. Allele origin: unknown.

Illumina Laboratory Services, Illumina
Classification: Uncertain significance for Spinocerebellar ataxia, autosomal recessive, with axonal neuropathy 1. Last evaluated: 2018-01-13. Review status: criteria provided, single submitter. Criteria: ICSL Variant Classification Criteria 13 December 2019. Collection method: clinical testing. Allele origin: germline.